The following is an entry in ClinVar:

NM_006206.6(PDGFRA):c.2148C>A (p.Ser716Arg)

Gene: PDGFRA (platelet derived growth factor receptor alpha; plus strand). Cytogenetic location: 4q12.
Variant type: single nucleotide variant.
Coding change: c.2148C>A on transcript NM_006206.6 (MANE Select); coding-DNA position 2148, C replaced by A.
Protein change: p.Ser716Arg; replaces serine 716 with arginine.
Molecular consequence: missense variant.
Genome position (GRCh38, 1-based): chr4:54,278,507, C>A. VCF-style: chr4-54278507-C-A. GRCh37 (hg19) VCF-style: chr4-55144674-C-A.
Other names: c.2148C>A, p.Ser716Arg (NM_001347827.2, NM_001347829.2); c.2223C>A, p.Ser741Arg (NM_001347828.2); c.2187C>A, p.Ser729Arg (NM_001347830.2); short protein forms S716R, S729R, S741R.
Identifiers: ClinVar variation 528526 (VCV000528526.12), dbSNP rs778408083, ClinGen allele CA2922755.

ClinVar aggregate classification (germline): Uncertain significance. Review status: criteria provided, multiple submitters, no conflicts (2 of 4 stars). 2 submissions from 2 submitters: Uncertain significance (2). Last evaluated 2024-06-09.

Conditions:
Hereditary cancer-predisposing syndrome. Also called: Tumor predisposition; Hereditary neoplastic syndrome; Hereditary Cancer Syndrome; Neoplastic Syndromes, Hereditary. Identifiers: Orphanet 140162, MedGen C0027672, MeSH D009386, MONDO:0015356.
Gastrointestinal stromal tumor. Also called: Gastrointestinal stroma tumor; Gastrointestinal stromal tumor, somatic. Identifiers: Orphanet 44890, MedGen C0238198, MeSH D046152, MONDO:0011719, OMIM 606764, HP:0100723.

Allele frequency attached by ClinVar (database versions not stated): gnomAD exomes below 0.00001; ExAC 0.00001; gnomAD 0.00001; TOPMed 0.00002.
gnomAD v4.1: 4 of 1,613,998 alleles (0.00025%); highest among the groups gnomAD compares: East Asian, 0.0067%; no homozygotes.

Submissions (2):

Labcorp Genetics (formerly Invitae), Labcorp
Classification: Uncertain significance for Gastrointestinal stromal tumor. Last evaluated: 2024-06-09. Review status: criteria provided, single submitter. Criteria: Invitae Variant Classification Sherloc (09022015). Collection method: clinical testing. Allele origin: germline.
Comment: This sequence change replaces serine, which is neutral and polar, with arginine, which is basic and polar, at codon 716 of the PDGFRA protein (p.Ser716Arg). This variant is not present in population databases (gnomAD no frequency). This variant has not been reported in the literature in individuals affected with PDGFRA-related conditions. ClinVar contains an entry for this variant (Variation ID: 528526). Advanced modeling of protein sequence and biophysical properties (such as structural, functional, and spatial information, amino acid conservation, physicochemical variation, residue mobility, and thermodynamic stability) performed at Invitae indicates that this missense variant is not expected to disrupt PDGFRA protein function with a negative predictive value of 80%. In summary, the available evidence is currently insufficient to determine the role of this variant in disease. Therefore, it has been classified as a Variant of Uncertain Significance.

Ambry Genetics
Classification: Uncertain significance for Hereditary cancer-predisposing syndrome. Last evaluated: 2024-02-05. Review status: criteria provided, single submitter. Criteria: Ambry Variant Classification Scheme 2023. Collection method: clinical testing. Allele origin: germline.